The following is an entry in ClinVar:

ClinVar aggregate classification (germline): Uncertain significance (1 of 4 stars; one submission).

Allele frequency attached by ClinVar (database versions not stated): TOPMed 0.00001.

Submission:

Labcorp Genetics (formerly Invitae), Labcorp
Classification: Uncertain significance. Last evaluated: 2022-06-05. Review status: criteria provided, single submitter. Criteria: Invitae Variant Classification Sherloc (09022015). Collection method: clinical testing. Allele origin: germline.
Comment: This variant is not present in population databases (gnomAD no frequency). In summary, the available evidence is currently insufficient to determine the role of this variant in disease. Therefore, it has been classified as a Variant of Uncertain Significance. Algorithms developed to predict the effect of missense changes on protein structure and function output the following: SIFT: "Deleterious"; PolyPhen-2: "Benign"; Align-GVGD: "Class C0". The serine amino acid residue is found in multiple mammalian species, which suggests that this missense change does not adversely affect protein function. ClinVar contains an entry for this variant (Variation ID: 1353488). This variant has not been reported in the literature in individuals affected with RBBP8-related conditions. This sequence change replaces asparagine, which is neutral and polar, with serine, which is neutral and polar, at codon 482 of the RBBP8 protein (p.Asn482Ser).

NM_002894.3(RBBP8):c.1445A>G (p.Asn482Ser)

Gene: RBBP8 (RB binding protein 8, endonuclease; plus strand). Cytogenetic location: 18q11.2.
Variant type: single nucleotide variant.
Coding change: c.1445A>G on transcript NM_002894.3 (MANE Select); coding-DNA position 1445, A replaced by G.
Protein change: p.Asn482Ser; replaces asparagine 482 with serine.
Molecular consequence: missense variant.
Genome position (GRCh38, 1-based): chr18:22,993,272, A>G. VCF-style: chr18-22993272-A-G. GRCh37 (hg19) VCF-style: chr18-20573235-A-G.
Other names: c.1445A>G, p.Asn482Ser (NM_203291.2, NM_203292.2); short protein forms N482S.
Identifiers: ClinVar variation 1353488 (VCV001353488.6), dbSNP rs1048882254, ClinGen allele CA297051069.
Genomic context (GRCh38, chr18:22,993,272, plus strand): 5'-AAGCTTCTTTTGATAAAGAAAATGCTTTCCCTTTTCCAATGGATAATCAGTTTTCCATGA[A>G]TGGAGACTGTGTGATGGATAAACCTCTGGATCTGTCTGATCGATTTTCAGCTATTCAGCG-3'
Protein context (NP_002885.1, residues 472-492): PFPMDNQFSM[Asn482Ser]GDCVMDKPLD